The following is an entry in ClinVar:

NM_004369.4(COL6A3):c.2029C>T (p.Arg677Cys)

Gene: COL6A3 (collagen type VI alpha 3 chain; minus strand). Cytogenetic location: 2q37.3.
Variant type: single nucleotide variant.
Coding change: c.2029C>T on transcript NM_004369.4 (MANE Select); coding-DNA position 2029, C replaced by T.
Protein change: p.Arg677Cys; replaces arginine 677 with cysteine.
Molecular consequence: missense variant. On other transcripts: intron variant (1).
Genome position (GRCh38, 1-based): chr2:237,379,104, G>A on the plus strand (C>T on the coding strand, the complement: COL6A3 is on the minus strand). VCF-style: chr2-237379104-G-A. GRCh37 (hg19) VCF-style: chr2-238287747-G-A.
Other names: c.808C>T, p.Arg270Cys (NM_057164.5); c.1411C>T, p.Arg471Cys (NM_057165.5, NM_057167.4); c.677-1760C>T (NM_057166.5); short protein forms R677C, R270C, R471C.
Identifiers: ClinVar variation 501183 (VCV000501183.43), dbSNP rs137923508, ClinGen allele CA2189493.
Genomic context (GRCh38, chr2:237,379,104, plus strand): 5'-GGTATGTGTTTAAAGAGAACTCCGTTACAGGAGTGTCACTAAATTGCACTAAACCAACAC[G>A]AATATTGTCATTTCCAATATCAAGGCTGTTAACTAGGTTCATTACAAAGTCGCGCACATA-3'
Protein context (NP_004360.2, residues 667-687): NSLDIGNDNI[Arg677Cys]VGLVQFSDTP

ClinVar aggregate classification (germline): Conflicting classifications of pathogenicity. Review status: criteria provided, conflicting classifications (1 of 4 stars). 5 submissions from 5 submitters: Uncertain significance (3); Likely benign (1). 1 of the submissions does not count toward it. Last evaluated 2025-11-28.

Conditions:
Bethlem myopathy 1A. Also called: MYOPATHY, BENIGN CONGENITAL, WITH CONTRACTURES; Bethlem Muscular Dystrophy; Bethlem myopathy 1. Identifiers: Orphanet 610, MedGen CN029274, MONDO:0024530, OMIM 158810.
COL6A3-related disorder. Also called: COL6A3-related disorders; COL6A3-related condition.

Allele frequency attached by ClinVar (database versions not stated): gnomAD 0.00004 and 0.00005; TOPMed 0.00005; ExAC 0.00011; ESP Exome Variant Server 0.00015; gnomAD exomes 0.00015.
gnomAD v4.1: 88 of 1,614,074 alleles (0.0055%); highest among the groups gnomAD compares: Middle Eastern, 0.033%; no homozygotes.

Submissions (5):

Labcorp Genetics (formerly Invitae), Labcorp
Classification: Likely benign for Bethlem myopathy 1A. Last evaluated: 2025-11-28. Review status: criteria provided, single submitter. Criteria: Invitae Variant Classification Sherloc (09022015). Collection method: clinical testing. Allele origin: germline.

Revvity Omics, Revvity
Classification: Uncertain significance. Last evaluated: 2023-12-07. Review status: criteria provided, single submitter. Criteria: ACMG Guidelines, 2015. Collection method: clinical testing. Allele origin: germline.

CeGaT Center for Human Genetics Tuebingen
Classification: Uncertain significance. Last evaluated: 2023-04-01. Review status: criteria provided, single submitter. Criteria: CeGaT Center For Human Genetics Tuebingen Variant Classification Criteria Version 2. Collection method: clinical testing. Allele origin: germline. Affected: yes. Observed: 1 variant allele.
Comment: COL6A3: PM2

Eurofins Ntd Llc (ga)
Classification: Uncertain significance. Last evaluated: 2017-04-04. Review status: criteria provided, single submitter. Criteria: EGL Classification Definitions 2015. Collection method: clinical testing. Allele origin: germline. Observed: 1 variant allele, 1 heterozygote.

PreventionGenetics, part of Exact Sciences
Classification: Uncertain significance for COL6A3-related condition. Last evaluated: 2023-11-12. Review status: no assertion criteria provided. Collection method: clinical testing. Allele origin: germline. Not counted in ClinVar's aggregate classification.
Comment: The COL6A3 c.2029C>T variant is predicted to result in the amino acid substitution p.Arg677Cys. This variant has been reported in an individual with neuromuscular disease (Marinella et al. 2022. PubMed ID: 36498898). This variant is reported in 0.039% of alleles in individuals of South Asian descent in gnomAD. At this time, the clinical significance of this variant is uncertain due to the absence of conclusive functional and genetic evidence.